The following is an entry in ClinVar:

NM_001372106.1(DNAH10):c.13408C>T (p.Arg4470Cys)

Genes: DNAH10 (dynein axonemal heavy chain 10; plus strand), DNAH10OS (dynein axonemal heavy chain 10 opposite strand; minus strand). Cytogenetic location: 12q24.31.
Variant type: single nucleotide variant.
Coding change: c.13408C>T on transcript NM_001372106.1 (MANE Select); coding-DNA position 13408, C replaced by T.
Protein change: p.Arg4470Cys; replaces arginine 4470 with cysteine.
Molecular consequence: missense variant.
Genome position (GRCh38, 1-based): chr12:123,933,442, C>T. VCF-style: chr12-123933442-C-T. GRCh37 (hg19) VCF-style: chr12-124417989-C-T.
Other names: c.13054C>T, p.Arg4352Cys (NM_207437.3); short protein forms R4352C, R4470C.
Identifiers: ClinVar variation 773690 (VCV000773690.6), dbSNP rs61746561, ClinGen allele CA6866229.
Genomic context (GRCh38, chr12:123,933,442, plus strand): 5'-GAGTCCTACCTCACGGCGCTGGTGCAGGCCACCTGCCGGAAGAACGGCTGGCCACTGGAC[C>T]GCTCCACCTTGTTCACACAAGTGACCAAGTTCCAGGATGCAGATGAAGTGAATGAGCGGG-3'
Protein context (NP_001359035.1, residues 4460-4480): TCRKNGWPLD[Arg4470Cys]STLFTQVTKF

ClinVar aggregate classification (germline): Benign. Review status: criteria provided, multiple submitters, no conflicts (2 of 4 stars). 3 submissions from 3 submitters: Benign (2). 1 of the submissions does not count toward it. Last evaluated 2018-08-20.

Conditions:
DNAH10-related disorder. Also called: DNAH10-related condition.

Allele frequency attached by ClinVar (database versions not stated): gnomAD exomes 0.00166 and 0.00375; ExAC 0.00464; ESP Exome Variant Server 0.01267; gnomAD 0.01307 and 0.01404; 1000 Genomes Project 0.01398; 1000 Genomes Project 30x 0.01452; TOPMed 0.01499.
gnomAD v4.1: 4,528 of 1,612,674 alleles (0.28%); highest among the groups gnomAD compares: African/African-American, 4.5%; 73 homozygotes.

Submissions (3):

Labcorp Genetics (formerly Invitae), Labcorp
Classification: Benign. Last evaluated: 2018-08-20. Review status: criteria provided, single submitter. Criteria: Invitae Variant Classification Sherloc (09022015). Collection method: clinical testing. Allele origin: germline.

Breakthrough Genomics
Classification: Benign. Review status: criteria provided, single submitter. Criteria: ACMG Guidelines, 2015. Collection method: not provided. Allele origin: germline. Inheritance: Autosomal recessive inheritance. Affected: yes.

PreventionGenetics, part of Exact Sciences
Classification: Benign for DNAH10-related condition. Last evaluated: 2019-11-20. Review status: no assertion criteria provided. Collection method: clinical testing. Allele origin: germline. Not counted in ClinVar's aggregate classification.
Comment: This variant is classified as benign based on ACMG/AMP sequence variant interpretation guidelines (Richards et al. 2015 PMID: 25741868, with internal and published modifications).